The following is an entry in ClinVar:

NM_000432.4(MYL2):c.482A>G (p.His161Arg)

Gene: MYL2 (myosin light chain 2; minus strand). Cytogenetic location: 12q24.11.
Variant type: single nucleotide variant.
Coding change: c.482A>G on transcript NM_000432.4 (MANE Select); coding-DNA position 482, A replaced by G.
Protein change: p.His161Arg; replaces histidine 161 with arginine.
Molecular consequence: missense variant.
Genome position (GRCh38, 1-based): chr12:110,911,096, T>C on the plus strand (A>G on the coding strand, the complement: MYL2 is on the minus strand). VCF-style: chr12-110911096-T-C. GRCh37 (hg19) VCF-style: chr12-111348900-T-C.
Other names: short protein forms H161R.
Identifiers: ClinVar variation 164469 (VCV000164469.4), dbSNP rs727503296, ClinGen allele CA010425.

ClinVar aggregate classification (germline): Likely pathogenic (0 of 4 stars; one submission).

Conditions:
Hypertrophic cardiomyopathy. Also called: HYPERTROPHIC MYOCARDIOPATHY. Identifiers: Orphanet 217569, MedGen C0007194, MeSH D002312, MONDO:0005045, HP:0001639.

Submission:

Laboratory for Molecular Medicine, Mass General Brigham Personalized Medicine
Classification: Likely pathogenic for Hypertrophic cardiomyopathy. Last evaluated: 2013-01-23. Review status: no assertion criteria provided. Collection method: clinical testing. Allele origin: germline. Observed: 1 variant allele.
Comment: proposed classification - variant undergoing re-assessment, contact laboratory